The following is an entry in ClinVar:

NM_000512.5(GALNS):c.1383C>A (p.Tyr461Ter)

Genes: GALNS (galactosamine (N-acetyl)-6-sulfatase; minus strand), LOC126862447 (CDK7 strongly-dependent group 2 enhancer GRCh37_chr16:88884193-88885392; plus strand). Cytogenetic location: 16q24.3.
Variant type: single nucleotide variant.
Coding change: c.1383C>A on transcript NM_000512.5 (MANE Select); coding-DNA position 1383, C replaced by A.
Protein change: p.Tyr461Ter; replaces tyrosine 461 with a stop codon.
Molecular consequence: nonsense.
Genome position (GRCh38, 1-based): chr16:88,818,106, G>T on the plus strand (C>A on the coding strand, the complement: GALNS is on the minus strand). VCF-style: chr16-88818106-G-T. GRCh37 (hg19) VCF-style: chr16-88884514-G-T.
Other names: c.828C>A, p.Tyr276Ter (NM_001323543.2); c.1401C>A, p.Tyr467Ter (NM_001323544.2); short protein forms Y276*, Y467*, Y461*.
Identifiers: ClinVar variation 3652146 (VCV003652146.2).

ClinVar aggregate classification (germline): Pathogenic (1 of 4 stars; one submission).

Conditions:
Mucopolysaccharidosis, MPS-IV-A (MPS4A). Also called: Morquio syndrome A, mild; MORQUIO SYNDROME A; GALACTOSAMINE-6-SULFATASE DEFICIENCY; GALNS DEFICIENCY; MORQUIO A DISEASE; Mucopolysaccharidosis type IV A. Identifiers: Orphanet 309297, Orphanet 582, MedGen C0086651, MONDO:0009659, OMIM 253000.

Submission:

Labcorp Genetics (formerly Invitae), Labcorp
Classification: Pathogenic for Mucopolysaccharidosis, MPS-IV-A. Last evaluated: 2024-05-04. Review status: criteria provided, single submitter. Criteria: Invitae Variant Classification Sherloc (09022015). Collection method: clinical testing. Allele origin: germline.
Comment: This sequence change creates a premature translational stop signal (p.Tyr461*) in the GALNS gene. It is expected to result in an absent or disrupted protein product. Loss-of-function variants in GALNS are known to be pathogenic (PMID: 12442278). This variant is not present in population databases (gnomAD no frequency). This variant has not been reported in the literature in individuals affected with GALNS-related conditions. For these reasons, this variant has been classified as Pathogenic.

Literature cited by the submitters: PubMed 12442278.